The following is an entry in ClinVar:

ClinVar aggregate classification (germline): Benign (1 of 4 stars; one submission).

Submission:

GeneDx
Classification: Benign. Last evaluated: 2014-02-27. Review status: criteria provided, single submitter. Criteria: GeneDx Variant Classification (06012015). Collection method: clinical testing. Allele origin: germline. Affected: yes.
Comment: This variant is considered likely benign or benign based on one or more of the following criteria: it is a conservative change, it occurs at a poorly conserved position in the protein, it is predicted to be benign by multiple in silico algorithms, and/or has population frequency not consistent with disease.

NM_201525.4(ADGRG1):c.-35-8646A>C

Gene: ADGRG1 (adhesion G protein-coupled receptor G1; plus strand). Cytogenetic location: 16q21.
Variant type: single nucleotide variant.
Coding change: c.-35-8646A>C on transcript NM_201525.4 (MANE Select); 8646 bases into the intron before 35 bases upstream of the start codon, A replaced by C.
Molecular consequence: intron variant. On other transcripts: 5 prime UTR variant (17).
Genome position (GRCh38, 1-based): chr16:57,641,607, A>C. VCF-style: chr16-57641607-A-C. GRCh37 (hg19) VCF-style: chr16-57675519-A-C.
Other names: c.-137A>C (NM_001145770.3, NM_001145771.3, NM_001145772.3 and 11 more transcripts); c.-619A>C (NM_001370451.1); c.-703A>C (NM_001370453.1); c.-516A>C (NM_001370454.1); c.-35-8646A>C (NM_001370430.1, NM_001370438.1, NM_001370435.1 and 6 more transcripts); c.-517-8646A>C (NM_001290143.2); c.-518+1937A>C (NM_001290144.2).
Identifiers: ClinVar variation 137492 (VCV000137492.1), dbSNP rs587780952, ClinGen allele CA291103.
Genomic context (GRCh38, chr16:57,641,607, plus strand): 5'-CAATCAATTCTAAAAGTCCTTTTTTTTTTTTTTTTTTGAGACAGGGTCTCGCTCTGTCAC[A>C]CAGGCTGGAGTGCAGTGGTGTGATCTTGGCTCATCGTAACCTCCACCTCCCGGGTTCAAG-3'